The following is an entry in ClinVar:

ClinVar aggregate classification (germline): Uncertain significance (1 of 4 stars; one submission).

gnomAD v4.1: 8 of 1,613,640 alleles (0.0005%); highest among the groups gnomAD compares: Non-Finnish European, 0.00059%; no homozygotes.

Submission:

CeGaT Center for Human Genetics Tuebingen
Classification: Uncertain significance. Last evaluated: 2025-07-01. Review status: criteria provided, single submitter. Criteria: CeGaT Center For Human Genetics Tuebingen Variant Classification Criteria Version 2. Collection method: clinical testing. Allele origin: germline. Affected: yes. Observed: 1 variant allele.
Comment: SPTB: PM2:Supporting, BP4

NM_001355436.2(SPTB):c.6524A>G (p.His2175Arg)

Gene: SPTB (spectrin beta, erythrocytic; minus strand). Cytogenetic location: 14q23.3.
Variant type: single nucleotide variant.
Coding change: c.6524A>G on transcript NM_001355436.2 (MANE Select); coding-DNA position 6524, A replaced by G.
Protein change: p.His2175Arg; replaces histidine 2175 with arginine.
Molecular consequence: missense variant.
Genome position (GRCh38, 1-based): chr14:64,753,615, T>C on the plus strand (A>G on the coding strand, the complement: SPTB is on the minus strand). VCF-style: chr14-64753615-T-C. GRCh37 (hg19) VCF-style: chr14-65220333-T-C.
Other names: c.6524A>G, p.His2175Arg (NM_001024858.4); short protein forms H2175R.
Identifiers: ClinVar variation 4084809 (VCV004084809.8).